The following is an entry in ClinVar:

NM_007294.4(BRCA1):c.212+9T>C

Gene: BRCA1 (BRCA1 DNA repair associated; minus strand). Cytogenetic location: 17q21.31.
Variant type: single nucleotide variant.
Coding change: c.212+9T>C on transcript NM_007294.4 (MANE Select); 9 bases into the intron after coding-DNA position 212, T replaced by C.
Molecular consequence: intron variant.
Genome position (GRCh38, 1-based): chr17:43,106,447, A>G on the plus strand (T>C on the coding strand, the complement: BRCA1 is on the minus strand). VCF-style: chr17-43106447-A-G. GRCh37 (hg19) VCF-style: chr17-41258464-A-G.
Other names: c.71+9T>C (NM_001408458.1, NM_001407931.1, NM_001407747.1 and 99 more transcripts); c.-218-11587T>C (NM_001407967.1, NM_001407966.1); c.-169-1491T>C (NM_001407959.1, NM_001407962.1, NM_001408512.1 and 4 more transcripts); c.2+31T>C (NM_001407885.1, NM_001407886.1, NM_001407898.1 and 58 more transcripts); c.212+9T>C (NM_001407686.1, NM_001408397.1, NM_001407632.1 and 167 more transcripts); c.81-1491T>C (NM_001408451.1); c.135-1491T>C (NM_001408475.1, NM_001407875.1, NM_001407659.1 and 21 more transcripts).
Identifiers: ClinVar variation 867349 (VCV000867349.3), dbSNP rs2054766684, ClinGen allele CA916080866.

Conditions:
Breast-ovarian cancer, familial, susceptibility to, 1 (BROVCA1). Also called: BRCA1 Hereditary Breast and Ovarian Cancer; OVARIAN CANCER, SUSCEPTIBILITY TO. Identifiers: Orphanet 145, MedGen C2676676, MONDO:0011450, OMIM 604370. Disease mechanism: loss of function.

Submission:

Brotman Baty Institute, University of Washington
No classification provided (evidence only). Condition: Breast-ovarian cancer, familial 1. Review status: no classification provided. Collection method: in vitro. Allele origin: not applicable. Functional consequence: functionally_normal.
ClinVar note: "not provided" was previously submitted as the classification for the variant. However, the classification appeared to be based only on an observation of functional data so it was converted to no classification on 2025-07-30.